The following is an entry in ClinVar:

ClinVar aggregate classification (germline): Uncertain significance (1 of 4 stars; one submission).

Conditions:
Developmental delay with or without dysmorphic facies and autism. Identifiers: MedGen C5193106, MONDO:0032760, OMIM 618454.

Submission:

OLLIN Analises Genomicas, OLLIN
Classification: Uncertain significance for Developmental delay with or without dysmorphic facies and autism. Last evaluated: 2026-08-06. Review status: criteria provided, single submitter. Criteria: ACMG Guidelines 2015 PMID 25741868. Collection method: clinical testing. Allele origin: germline. Inheritance: Autosomal dominant inheritance.
Comment: This missense variant, located in exon 28 (of 73), is absent from gnomAD and ClinVar and has not been identified in the literature. In silico analysis is inconclusive regarding the impact of this variant. This gene is constrained for missense variation. According to the currently available evidence, this variant has been classified as uncertain significance (PM2_P, PP2).

NM_001375524.1(TRRAP):c.4106C>T (p.Ala1369Val)

Gene: TRRAP (transformation/transcription domain associated protein; plus strand). Cytogenetic location: 7q22.1.
Variant type: single nucleotide variant.
Coding change: c.4106C>T on transcript NM_001375524.1 (MANE Select); coding-DNA position 4106, C replaced by T.
Protein change: p.Ala1369Val; replaces alanine 1369 with valine.
Molecular consequence: missense variant.
Genome position (GRCh38, 1-based): chr7:98,935,670, C>T. VCF-style: chr7-98935670-C-T. GRCh37 (hg19) VCF-style: chr7-98533293-C-T.
Other names: c.4106C>T, p.Ala1369Val (NM_001244580.2, NM_003496.4); short protein forms A1369V.
Identifiers: ClinVar variation 5003103 (VCV005003103.1).